The following is an entry in ClinVar:

NM_018055.5(NODAL):c.*479C>T

Gene: NODAL (nodal growth differentiation factor; minus strand). Cytogenetic location: 10q22.1.
Variant type: single nucleotide variant.
Coding change: c.*479C>T on transcript NM_018055.5 (MANE Select); 479 bases downstream of the stop codon, C replaced by T.
Molecular consequence: 3 prime UTR variant.
Genome position (GRCh38, 1-based): chr10:70,432,457, G>A on the plus strand (C>T on the coding strand, the complement: NODAL is on the minus strand). VCF-style: chr10-70432457-G-A. GRCh37 (hg19) VCF-style: chr10-72192213-G-A.
Other names: c.*479C>T (NM_001329906.2).
Identifiers: ClinVar variation 300294 (VCV000300294.5), dbSNP rs80138796, ClinGen allele CA10635589.

ClinVar aggregate classification (germline): Benign. Review status: criteria provided, single submitter (1 of 4 stars). 2 submissions from 1 submitter: Benign (2). Last evaluated 2018-01-13.

Conditions:
Holoprosencephaly sequence (HPE). Also called: Holoprosencephaly. Identifiers: Orphanet 2162, MedGen C0079541, MONDO:0016296, HP:0001360.
Heterotaxy, visceral, 5, autosomal (HTX5). Also called: Heterotaxy, visceral, 5. Identifiers: Orphanet 450, MedGen C3495537, MONDO:0700112, OMIM 270100.

Allele frequency attached by ClinVar (database versions not stated): gnomAD exomes 0.00118; gnomAD 0.01018 and 0.01102; 1000 Genomes Project 0.01058; TOPMed 0.01207; 1000 Genomes Project 30x 0.01234.

Submissions (2):

Illumina Laboratory Services, Illumina
Classification: Benign for Heterotaxy, visceral, 5, autosomal. Last evaluated: 2018-01-13. Review status: criteria provided, single submitter. Criteria: ICSL Variant Classification Criteria 13 December 2019. Collection method: clinical testing. Allele origin: germline.
Comment: This variant was observed in the ICSL laboratory as part of a predisposition screen in an ostensibly healthy population. It had not been previously curated by ICSL or reported in the Human Gene Mutation Database (HGMD: prior to June 1st, 2018), and was therefore a candidate for classification through an automated scoring system. Utilizing variant allele frequency, disease prevalence and penetrance estimates, and inheritance mode, an automated score was calculated to assess if this variant is too frequent to cause the disease. Based on the score and internal cut-off values, a variant classified as benign is not then subjected to further curation. The score for this variant resulted in a classification of benign for this disease.

Illumina Laboratory Services, Illumina
Classification: Benign for Holoprosencephaly sequence. Last evaluated: 2018-01-13. Review status: criteria provided, single submitter. Criteria: ICSL Variant Classification Criteria 13 December 2019. Collection method: clinical testing. Allele origin: germline.
Comment: the same text as in the submission from Illumina Laboratory Services, Illumina above.